The following is an entry in ClinVar:

NM_000550.3(TYRP1):c.264G>T (p.Glu88Asp)

Gene: TYRP1 (tyrosinase related protein 1; plus strand). Cytogenetic location: 9p23.
Variant type: single nucleotide variant.
Coding change: c.264G>T on transcript NM_000550.3 (MANE Select); coding-DNA position 264, G replaced by T.
Protein change: p.Glu88Asp; replaces glutamic acid 88 with aspartic acid.
Molecular consequence: missense variant.
Genome position (GRCh38, 1-based): chr9:12,694,260, G>T. VCF-style: chr9-12694260-G-T. GRCh37 (hg19) VCF-style: chr9-12694260-G-T.
Other names: short protein forms E88D.
Identifiers: ClinVar variation 2101810 (VCV002101810.4), dbSNP rs1818040970, ClinGen allele CA372936692.
Genomic context (GRCh38, chr9:12,694,260, plus strand): 5'-GACTGCAGACTCCCGGCCCCACAGCCCTCAGTATCCCCATGATGGCAGAGATGATCGGGA[G>T]GTCTGGCCCTTGCGCTTCTTCAATAGGACATGTCACTGCAACGGCAATTTCTCAGGACAC-3'
Protein context (NP_000541.1, residues 78-98): QYPHDGRDDR[Glu88Asp]VWPLRFFNRT

ClinVar aggregate classification (germline): Uncertain significance (1 of 4 stars; one submission).

Submission:

Labcorp Genetics (formerly Invitae), Labcorp
Classification: Uncertain significance. Last evaluated: 2022-02-22. Review status: criteria provided, single submitter. Criteria: Invitae Variant Classification Sherloc (09022015). Collection method: clinical testing. Allele origin: germline.
Comment: In summary, the available evidence is currently insufficient to determine the role of this variant in disease. Therefore, it has been classified as a Variant of Uncertain Significance. Algorithms developed to predict the effect of missense changes on protein structure and function are either unavailable or do not agree on the potential impact of this missense change (SIFT: "Tolerated"; PolyPhen-2: "Probably Damaging"; Align-GVGD: "Class C0"). This variant has not been reported in the literature in individuals affected with TYRP1-related conditions. This variant is not present in population databases (gnomAD no frequency). This sequence change replaces glutamic acid, which is acidic and polar, with aspartic acid, which is acidic and polar, at codon 88 of the TYRP1 protein (p.Glu88Asp).